The following is an entry in ClinVar:

NM_172364.5(CACNA2D4):c.1866G>A (p.Pro622=)

Gene: CACNA2D4 (calcium voltage-gated channel auxiliary subunit alpha2delta 4; minus strand). Cytogenetic location: 12p13.33.
Variant type: single nucleotide variant.
Coding change: c.1866G>A on transcript NM_172364.5 (MANE Select); coding-DNA position 1866, G replaced by A.
Protein change: p.Pro622=; no amino-acid change (proline 622 retained).
Molecular consequence: synonymous variant.
Genome position (GRCh38, 1-based): chr12:1,874,616, C>T on the plus strand (G>A on the coding strand, the complement: CACNA2D4 is on the minus strand). VCF-style: chr12-1874616-C-T. GRCh37 (hg19) VCF-style: chr12-1983782-C-T.
Identifiers: ClinVar variation 262811 (VCV000262811.16), dbSNP rs758160, ClinGen allele CA6386967.

ClinVar aggregate classification (germline): Benign. Review status: criteria provided, multiple submitters, no conflicts (2 of 4 stars). 5 submissions from 5 submitters: Benign (5). Last evaluated 2026-02-01.

Conditions:
Retinal cone dystrophy 4 (RCD4). Identifiers: Orphanet 1872, MedGen C1864849, MONDO:0012507, OMIM 610478.

Allele frequency attached by ClinVar (database versions not stated): gnomAD exomes 0.09348 and 0.09941; 1000 Genomes Project 30x 0.09494; 1000 Genomes Project 0.09505; ExAC 0.09755; TOPMed 0.10260; ESP Exome Variant Server 0.10542; gnomAD 0.10602 and 0.10656.
gnomAD v4.1: 161,144 of 1,610,304 alleles (10%); highest among the groups gnomAD compares: African/African-American, 14%; 8,722 homozygotes.

Submissions (5):

Labcorp Genetics (formerly Invitae), Labcorp
Classification: Benign. Last evaluated: 2026-02-01. Review status: criteria provided, single submitter. Criteria: Invitae Variant Classification Sherloc (09022015). Collection method: clinical testing. Allele origin: germline.

Blueprint Genetics
Classification: Benign. Last evaluated: 2024-11-27. Review status: criteria provided, single submitter. Criteria: ACMG Guidelines, 2015. Collection method: clinical testing. Allele origin: germline.

Illumina Laboratory Services, Illumina
Classification: Benign for Retinal cone dystrophy 4. Last evaluated: 2018-01-12. Review status: criteria provided, single submitter. Criteria: ICSL Variant Classification Criteria 13 December 2019. Collection method: clinical testing. Allele origin: germline.
Comment: This variant was observed in the ICSL laboratory as part of a predisposition screen in an ostensibly healthy population. It had not been previously curated by ICSL or reported in the Human Gene Mutation Database (HGMD: prior to June 1st, 2018), and was therefore a candidate for classification through an automated scoring system. Utilizing variant allele frequency, disease prevalence and penetrance estimates, and inheritance mode, an automated score was calculated to assess if this variant is too frequent to cause the disease. Based on the score and internal cut-off values, a variant classified as benign is not then subjected to further curation. The score for this variant resulted in a classification of benign for this disease.

Breakthrough Genomics
Classification: Benign. Review status: criteria provided, single submitter. Criteria: ACMG Guidelines, 2015. Collection method: not provided. Allele origin: germline. Inheritance: Autosomal recessive inheritance. Affected: yes.

PreventionGenetics, part of Exact Sciences
Classification: Benign. Review status: criteria provided, single submitter. Criteria: ACMG Guidelines, 2015. Collection method: clinical testing. Allele origin: germline.